The following is an entry in ClinVar:

ClinVar aggregate classification (germline): Uncertain significance (1 of 4 stars; one submission).

Conditions:
Intellectual developmental disorder, autosomal dominant 1. Also called: Intellectual disability, autosomal dominant 1; MBD5 Haploinsufficiency. Identifiers: Orphanet 228402, MedGen C1969562, MONDO:0007974, OMIM 156200.

Allele frequency attached by ClinVar (database versions not stated): TOPMed below 0.00001.
gnomAD v4.1: 14 of 1,614,106 alleles (0.00087%); highest among the groups gnomAD compares: East Asian, 0.013%; no homozygotes.

Submission:

Labcorp Genetics (formerly Invitae), Labcorp
Classification: Uncertain significance for Intellectual developmental disorder, autosomal dominant 1. Last evaluated: 2019-10-25. Review status: criteria provided, single submitter. Criteria: Invitae Variant Classification Sherloc (09022015). Collection method: clinical testing. Allele origin: germline.
Comment: In summary, the available evidence is currently insufficient to determine the role of this variant in disease. Therefore, it has been classified as a Variant of Uncertain Significance. Algorithms developed to predict the effect of missense changes on protein structure and function are either unavailable or do not agree on the potential impact of this missense change (SIFT: "Tolerated"; PolyPhen-2: "Not Available"; Align-GVGD: "Class C0"). This variant has not been reported in the literature in individuals with MBD5-related conditions. This variant is present in population databases (rs756653034, ExAC 0.02%). This sequence change replaces histidine with glutamine at codon 912 of the MBD5 protein (p.His912Gln). The histidine residue is moderately conserved and there is a small physicochemical difference between histidine and glutamine.

NM_001378120.1(MBD5):c.2736C>A (p.His912Gln)

Gene: MBD5 (methyl-CpG binding domain protein 5; plus strand). Cytogenetic location: 2q23.1.
Variant type: single nucleotide variant.
Coding change: c.2736C>A on transcript NM_001378120.1 (MANE Select); coding-DNA position 2736, C replaced by A.
Protein change: p.His912Gln; replaces histidine 912 with glutamine.
Molecular consequence: missense variant.
Genome position (GRCh38, 1-based): chr2:148,483,327, C>A. VCF-style: chr2-148483327-C-A. GRCh37 (hg19) VCF-style: chr2-149240896-C-A.
Other names: c.2736C>A, p.His912Gln (NM_018328.5); short protein forms H912Q.
Identifiers: ClinVar variation 962155 (VCV000962155.10), dbSNP rs756653034, ClinGen allele CA1900208.